The following is an entry in ClinVar:

ClinVar aggregate classification (germline): Pathogenic (1 of 4 stars; one submission).

Conditions:
Familial dysautonomia. Also called: FD; HSAN III. Identifiers: Orphanet 1764, MedGen C0013364, MONDO:0009131, OMIM 223900. Disease mechanism: loss of function.

Submission:

Women's Health and Genetics/Laboratory Corporation of America, LabCorp
Classification: Pathogenic for Familial dysautonomia. Last evaluated: 2024-10-17. Review status: criteria provided, single submitter. Criteria: LabCorp Variant Classification Summary - May 2015. Collection method: clinical testing. Allele origin: germline.
Comment: Variant summary: ELP1 c.620_621delTT (p.Phe207CysfsX28) results in a premature termination codon, predicted to cause a truncation of the encoded protein or absence of the protein due to nonsense mediated decay, which are commonly known mechanisms for disease. The variant was absent in 1613302 control chromosomes. To our knowledge, no occurrence of c.620_621delTT in individuals affected with Familial Dysautonomia and no experimental evidence demonstrating its impact on protein function have been reported. No submitters have cited clinical-significance assessments for this variant to ClinVar. Based on the evidence outlined above, the variant was classified as pathogenic.

NM_003640.5(ELP1):c.620_621del (p.Phe207fs)

Gene: ELP1 (elongator acetyltransferase complex subunit 1; minus strand). Cytogenetic location: 9q31.3.
Variant type: Deletion.
Coding change: c.620_621del on transcript NM_003640.5 (MANE Select); coding-DNA positions 620 to 621, 2 bases deleted (TT; older notation c.620_621delTT).
Protein change: p.Phe207fs; shifts the reading frame from phenylalanine 207.
Molecular consequence: frameshift variant. On other transcripts: intron variant (1).
Genome position (GRCh38, 1-based): chr9:108,919,281-108,919,282, AA deleted on the plus strand (TT on the coding strand, the reverse complement: ELP1 is on the minus strand); deleting any 2 consecutive bases within chr9:108,919,281-108,919,286 gives the same sequence; the c. name uses the placement nearest the transcript's 3' end. VCF-style (leftmost placement, unchanged base first): chr9-108919280-CAA-C. GRCh37 (hg19) VCF-style: chr9-111681560-CAA-C.
Other names: c.278_279del, p.Phe93fs (NM_001318360.2); c.-307-1612_-307-1611del (NM_001330749.2); c.620_621delTT (NM_003640.5); short protein forms F207fs, F93fs.
Identifiers: ClinVar variation 3385235 (VCV003385235.1).